The following is an entry in ClinVar:

NM_021922.3(FANCE):c.1136C>G (p.Ala379Gly)

Gene: FANCE (FA complementation group E; plus strand). Cytogenetic location: 6p21.31.
Variant type: single nucleotide variant.
Coding change: c.1136C>G on transcript NM_021922.3 (MANE Select); coding-DNA position 1136, C replaced by G.
Protein change: p.Ala379Gly; replaces alanine 379 with glycine.
Molecular consequence: missense variant.
Genome position (GRCh38, 1-based): chr6:35,459,353, C>G. VCF-style: chr6-35459353-C-G. GRCh37 (hg19) VCF-style: chr6-35427130-C-G.
Other names: short protein forms A379G.
Identifiers: ClinVar variation 1462040 (VCV001462040.8), dbSNP rs1233194875, ClinGen allele CA363776373.

ClinVar aggregate classification (germline): Uncertain significance (1 of 4 stars; one submission).

Conditions:
Fanconi anemia complementation group E (FANCE). Also called: FANCE-Related Fanconi Anemia. Identifiers: Orphanet 84, MedGen C3160739, MONDO:0010953, OMIM 600901.

Submission:

Labcorp Genetics (formerly Invitae), Labcorp
Classification: Uncertain significance for Fanconi anemia complementation group E. Last evaluated: 2024-05-07. Review status: criteria provided, single submitter. Criteria: Invitae Variant Classification Sherloc (09022015). Collection method: clinical testing. Allele origin: germline.
Comment: This sequence change replaces alanine, which is neutral and non-polar, with glycine, which is neutral and non-polar, at codon 379 of the FANCE protein (p.Ala379Gly). This variant is not present in population databases (gnomAD no frequency). This variant has not been reported in the literature in individuals affected with FANCE-related conditions. ClinVar contains an entry for this variant (Variation ID: 1462040). Advanced modeling of protein sequence and biophysical properties (such as structural, functional, and spatial information, amino acid conservation, physicochemical variation, residue mobility, and thermodynamic stability) performed at Invitae indicates that this missense variant is expected to disrupt FANCE protein function with a positive predictive value of 80%. In summary, the available evidence is currently insufficient to determine the role of this variant in disease. Therefore, it has been classified as a Variant of Uncertain Significance.